The following is an entry in ClinVar:

ClinVar aggregate classification (germline): Conflicting classifications of pathogenicity. Review status: criteria provided, conflicting classifications (1 of 4 stars). 3 submissions from 3 submitters: Uncertain significance (1); Benign (1); Likely benign (1). Last evaluated 2024-12-28.

Conditions:
Familial melanoma. Also called: Hereditary melanoma; Hereditary cutaneous melanoma. Identifiers: Orphanet 618, MedGen C1512419, MONDO:0018961.
Hereditary cancer-predisposing syndrome. Also called: Neoplastic Syndromes, Hereditary; Tumor predisposition; Hereditary Cancer Syndrome; Hereditary neoplastic syndrome. Identifiers: Orphanet 140162, MedGen C0027672, MeSH D009386, MONDO:0015356.
Melanoma, cutaneous malignant, susceptibility to, 3. Also called: Cutaneous malignant melanoma 3. Identifiers: Orphanet 618, MedGen C1836892, MONDO:0012183, OMIM 609048.

Submissions (3):

Labcorp Genetics (formerly Invitae), Labcorp
Classification: Likely benign for Familial melanoma. Last evaluated: 2024-12-28. Review status: criteria provided, single submitter. Criteria: Invitae Variant Classification Sherloc (09022015). Collection method: clinical testing. Allele origin: germline.

Myriad Genetics, Inc.
Classification: Benign for Melanoma, cutaneous malignant, susceptibility to, 3. Last evaluated: 2024-09-27. Review status: criteria provided, single submitter. Criteria: Myriad Autosomal Dominant, Autosomal Recessive and X-Linked Classification Criteria (2023). Collection method: clinical testing. Allele origin: unknown.
Comment: This variant is considered benign. This variant is a silent/synonymous amino acid change and it is not expected to impact splicing.

Ambry Genetics
Classification: Uncertain significance for Hereditary cancer-predisposing syndrome. Last evaluated: 2021-08-09. Review status: criteria provided, single submitter. Criteria: Ambry Variant Classification Scheme 2023. Collection method: clinical testing. Allele origin: germline.
Comment: The c.822A>G variant (also known as p.E274E), located in coding exon 7 of the CDK4 gene, results from an A to G substitution at nucleotide position 822. This nucleotide substitution does not change the glutamic acid at codon 274. This nucleotide position is poorly conserved in available vertebrate species. In silico splice site analysis for this alteration is inconclusive. Since supporting evidence is limited at this time, the clinical significance of this alteration remains unclear.

NM_000075.4(CDK4):c.822A>G (p.Glu274=)

Genes: CDK4 (cyclin dependent kinase 4; minus strand), TSPAN31 (tetraspanin 31; plus strand). Cytogenetic location: 12q14.1.
Variant type: single nucleotide variant.
Coding change: c.822A>G on transcript NM_000075.4 (MANE Select); coding-DNA position 822, A replaced by G.
Protein change: p.Glu274=; no amino-acid change (glutamic acid 274 retained).
Molecular consequence: synonymous variant. On other transcripts: 3 prime UTR variant (3).
Genome position (GRCh38, 1-based): chr12:57,748,615, T>C on the plus strand (A>G on the coding strand, the complement: CDK4 is on the minus strand). VCF-style: chr12-57748615-T-C. GRCh37 (hg19) VCF-style: chr12-58142398-T-C.
Other names: c.*1325T>C (NM_001330168.2, NM_001330169.2, NM_005981.5).
Identifiers: ClinVar variation 1762534 (VCV001762534.8), dbSNP rs2140381286, ClinGen allele CA480299612.